The following is an entry in ClinVar:

ClinVar aggregate classification (germline): Uncertain significance (1 of 4 stars; one submission).

Conditions:
PCNT-related disorder. Also called: PCNT-related condition.

gnomAD v4.1: 5 of 1,614,022 alleles (0.00031%); highest among the groups gnomAD compares: African/African-American, 0.0067%; no homozygotes.

Submission:

PreventionGenetics, part of Exact Sciences
Classification: Uncertain significance for PCNT-related condition. Last evaluated: 2026-07-23. Review status: criteria provided, single submitter. Criteria: ACMG Guidelines, 2015. Collection method: clinical testing. Allele origin: germline.
Comment: The PCNT c.7817T>C variant is predicted to result in the amino acid substitution p.Val2606Ala. To our knowledge, this variant has not been reported in the literature or in a large population database (gnomAD), indicating this variant is rare. At this time, the clinical significance of this variant is uncertain due to the absence of conclusive functional and genetic evidence.

NM_006031.6(PCNT):c.7817T>C (p.Val2606Ala)

Gene: PCNT (pericentrin; plus strand). Cytogenetic location: 21q22.3.
Variant type: single nucleotide variant.
Coding change: c.7817T>C on transcript NM_006031.6 (MANE Select); coding-DNA position 7817, T replaced by C.
Protein change: p.Val2606Ala; replaces valine 2606 with alanine.
Molecular consequence: missense variant.
Genome position (GRCh38, 1-based): chr21:46,430,136, T>C. VCF-style: chr21-46430136-T-C. GRCh37 (hg19) VCF-style: chr21-47850050-T-C.
Other names: c.7463T>C, p.Val2488Ala (NM_001315529.2); short protein forms V2488A, V2606A.
Identifiers: ClinVar variation 4983390 (VCV004983390.1).
Genomic context (GRCh38, chr21:46,430,136, plus strand): 5'-GTGAAGAGCAAGAGAAGGCAAACAGCGTGCAGAAGCTCCTGGCGGCGGAGCAGACTGTAG[T>C]GCGAGATTTGAAGTCCGACCTCTGTGAGAGCAGGCAGAAGAGCGAACAGCTGTCCCGGTC-3'
Protein context (NP_006022.3, residues 2596-2616): QKLLAAEQTV[Val2606Ala]RDLKSDLCES